The following is an entry in ClinVar:

ClinVar aggregate classification (germline): Uncertain significance (1 of 4 stars; one submission).

Submission:

Ambry Genetics
Classification: Uncertain significance. Last evaluated: 2024-04-19. Review status: criteria provided, single submitter. Criteria: Ambry Variant Classification Scheme 2023. Collection method: clinical testing. Allele origin: germline.
Comment: The p.Y538D variant (also known as c.1612T>G), located in coding exon 14 of the BUB1 gene, results from a T to G substitution at nucleotide position 1612. The tyrosine at codon 538 is replaced by aspartic acid, an amino acid with highly dissimilar properties. This amino acid position is conserved. In addition, this alteration is predicted to be tolerated by in silico analysis. Based on the available evidence, the clinical significance of this variant remains unclear.

NM_004336.5(BUB1):c.1612T>G (p.Tyr538Asp)

Gene: BUB1 (BUB1 mitotic checkpoint serine/threonine kinase; minus strand). Cytogenetic location: 2q13.
Variant type: single nucleotide variant.
Coding change: c.1612T>G on transcript NM_004336.5 (MANE Select); coding-DNA position 1612, T replaced by G.
Protein change: p.Tyr538Asp; replaces tyrosine 538 with aspartic acid.
Molecular consequence: missense variant.
Genome position (GRCh38, 1-based): chr2:110,657,550, A>C on the plus strand (T>G on the coding strand, the complement: BUB1 is on the minus strand). VCF-style: chr2-110657550-A-C. GRCh37 (hg19) VCF-style: chr2-111415127-A-C.
Other names: c.1552T>G, p.Tyr518Asp (NM_001278616.2); c.1612T>G, p.Tyr538Asp (NM_001278617.2); short protein forms Y518D, Y538D.
Identifiers: ClinVar variation 3262144 (VCV003262144.1).